The following is an entry in ClinVar:

NM_001128840.3(CACNA1D):c.5411C>A (p.Thr1804Asn)

Gene: CACNA1D (calcium voltage-gated channel subunit alpha1 D; plus strand). Cytogenetic location: 3p21.1.
Variant type: single nucleotide variant.
Coding change: c.5411C>A on transcript NM_001128840.3 (MANE Select); coding-DNA position 5411, C replaced by A.
Protein change: p.Thr1804Asn; replaces threonine 1804 with asparagine.
Molecular consequence: missense variant. On other transcripts: intron variant (1).
Genome position (GRCh38, 1-based): chr3:53,802,149, C>A. VCF-style: chr3-53802149-C-A. GRCh37 (hg19) VCF-style: chr3-53836176-C-A.
Other names: c.5471C>A, p.Thr1824Asn (NM_000720.4); c.5363+724C>A (NM_001128839.3); short protein forms T1804N, T1824N.
Identifiers: ClinVar variation 1209340 (VCV001209340.11), dbSNP rs1195153415, ClinGen allele CA353252180.

ClinVar aggregate classification (germline): Uncertain significance. Review status: criteria provided, multiple submitters, no conflicts (2 of 4 stars). 2 submissions from 2 submitters: Uncertain significance (2). Last evaluated 2021-03-17.

Allele frequency attached by ClinVar (database versions not stated): gnomAD 0.00001; TOPMed 0.00001.
gnomAD v4.1: 9 of 1,607,706 alleles (0.00056%); highest among the groups gnomAD compares: Non-Finnish European, 0.00077%; no homozygotes.

Submissions (2):

Labcorp Genetics (formerly Invitae), Labcorp
Classification: Uncertain significance. Last evaluated: 2021-03-17. Review status: criteria provided, single submitter. Criteria: Invitae Variant Classification Sherloc (09022015). Collection method: clinical testing. Allele origin: germline.
Comment: In summary, the available evidence is currently insufficient to determine the role of this variant in disease. Therefore, it has been classified as a Variant of Uncertain Significance. Algorithms developed to predict the effect of missense changes on protein structure and function (SIFT, PolyPhen-2, Align-GVGD) all suggest that this variant is likely to be tolerated, but these predictions have not been confirmed by published functional studies and their clinical significance is uncertain. This variant has not been reported in the literature in individuals with CACNA1D-related conditions. This variant is not present in population databases (ExAC no frequency). This sequence change replaces threonine with asparagine at codon 1824 of the CACNA1D protein (p.Thr1824Asn). The threonine residue is moderately conserved and there is a small physicochemical difference between threonine and asparagine.

GeneDx
Classification: Uncertain significance. Last evaluated: 2019-02-19. Review status: criteria provided, single submitter. Criteria: GeneDx Variant Classification Process June 2021. Collection method: clinical testing. Allele origin: germline. Affected: yes.
Comment: In silico analysis, which includes protein predictors and evolutionary conservation, supports that this variant does not alter protein structure/function; Has not been previously published as pathogenic or benign to our knowledge